The following is an entry in ClinVar:

ClinVar aggregate classification (germline): Uncertain significance. Review status: criteria provided, multiple submitters, no conflicts (2 of 4 stars). 2 submissions from 2 submitters: Uncertain significance (2). Last evaluated 2025-08-13.

Allele frequency attached by ClinVar (database versions not stated): ExAC 0.00002; TOPMed 0.00002; gnomAD 0.00003; gnomAD exomes 0.00009.

Submissions (2):

Ambry Genetics
Classification: Uncertain significance. Last evaluated: 2025-08-13. Review status: criteria provided, single submitter. Criteria: Ambry Variant Classification Scheme 2023. Collection method: clinical testing. Allele origin: germline.

Labcorp Genetics (formerly Invitae), Labcorp
Classification: Uncertain significance. Last evaluated: 2022-06-26. Review status: criteria provided, single submitter. Criteria: Invitae Variant Classification Sherloc (09022015). Collection method: clinical testing. Allele origin: germline.
Comment: This sequence change replaces leucine, which is neutral and non-polar, with arginine, which is basic and polar, at codon 274 of the DNASE2 protein (p.Leu274Arg). This variant is present in population databases (rs757940940, gnomAD 0.005%). This variant has not been reported in the literature in individuals affected with DNASE2-related conditions. Algorithms developed to predict the effect of missense changes on protein structure and function are either unavailable or do not agree on the potential impact of this missense change (SIFT: "Tolerated"; PolyPhen-2: "Probably Damaging"; Align-GVGD: "Class C0"). In summary, the available evidence is currently insufficient to determine the role of this variant in disease. Therefore, it has been classified as a Variant of Uncertain Significance.

NM_001375.3(DNASE2):c.821T>G (p.Leu274Arg)

Gene: DNASE2 (deoxyribonuclease 2, lysosomal; minus strand). Cytogenetic location: 19p13.13.
Variant type: single nucleotide variant.
Coding change: c.821T>G on transcript NM_001375.3 (MANE Select); coding-DNA position 821, T replaced by G.
Protein change: p.Leu274Arg; replaces leucine 274 with arginine.
Molecular consequence: missense variant.
Genome position (GRCh38, 1-based): chr19:12,876,252, A>C on the plus strand (T>G on the coding strand, the complement: DNASE2 is on the minus strand). VCF-style: chr19-12876252-A-C. GRCh37 (hg19) VCF-style: chr19-12987066-A-C.
Other names: c.821T>G (NM_001375.2); short protein forms L274R.
Identifiers: ClinVar variation 2067417 (VCV002067417.4), dbSNP rs757940940, ClinGen allele CA9233691.